The following is an entry in ClinVar:

NM_020442.6(VARS2):c.1353G>A (p.Leu451=)

Gene: VARS2 (valyl-tRNA synthetase 2, mitochondrial; plus strand). Cytogenetic location: 6p21.33.
Variant type: single nucleotide variant.
Coding change: c.1353G>A on transcript NM_020442.6 (MANE Select); coding-DNA position 1353, G replaced by A.
Protein change: p.Leu451=; no amino-acid change (leucine 451 retained).
Molecular consequence: synonymous variant.
Genome position (GRCh38, 1-based): chr6:30,920,392, G>A. VCF-style: chr6-30920392-G-A. GRCh37 (hg19) VCF-style: chr6-30888169-G-A.
Other names: c.933G>A, p.Leu311= (NM_001167733.3); c.1443G>A, p.Leu481= (NM_001167734.2).
Identifiers: ClinVar variation 380155 (VCV000380155.16), dbSNP rs2517468, ClinGen allele CA3705883.

ClinVar aggregate classification (germline): Benign. Review status: criteria provided, multiple submitters, no conflicts (2 of 4 stars). 5 submissions from 5 submitters: Benign (4). 1 of the submissions does not count toward it. Last evaluated 2026-02-02.

Allele frequency attached by ClinVar (database versions not stated): 1000 Genomes Project 30x 0.22064; 1000 Genomes Project 0.22224; TOPMed 0.26288; gnomAD 0.27814 and 0.27910; ESP Exome Variant Server 0.29302; gnomAD exomes 0.31288 and 0.34012; ExAC 0.31965.
gnomAD v4.1: 536,688 of 1,610,286 alleles (33%); highest among the groups gnomAD compares: Non-Finnish European, 36%; 93,287 homozygotes.

Submissions (5):

Labcorp Genetics (formerly Invitae), Labcorp
Classification: Benign. Last evaluated: 2026-02-02. Review status: criteria provided, single submitter. Criteria: Invitae Variant Classification Sherloc (09022015). Collection method: clinical testing. Allele origin: germline.

Blueprint Genetics
Classification: Benign. Last evaluated: 2024-11-27. Review status: criteria provided, single submitter. Criteria: ACMG Guidelines, 2015. Collection method: clinical testing. Allele origin: germline.

Unidad de Genómica Garrahan, Hospital de Pediatría Garrahan
Classification: Benign. Last evaluated: 2024-07-31. Review status: criteria provided, single submitter. Criteria: ACMG Guidelines, 2015. Collection method: clinical testing. Allele origin: germline. Affected: no. Observed: 46 variant alleles.
Comment: This variant is classified as Benign based on local population frequency. This variant was detected in 49% of patients studied in a panel designed for Epileptic and Developmental Encephalopathy, Progressive Myoclonus Epilepsy and Abnormal Movements and Neurodegeneration with brain iron accumulation. Number of patients: 46. Only high quality variants are reported.

GeneDx
Classification: Benign. Last evaluated: 2015-12-16. Review status: criteria provided, single submitter. Criteria: GeneDx Variant Classification (06012015). Collection method: clinical testing. Allele origin: germline. Affected: yes.
Comment: This variant is considered likely benign or benign based on one or more of the following criteria: it is a conservative change, it occurs at a poorly conserved position in the protein, it is predicted to be benign by multiple in silico algorithms, and/or has population frequency not consistent with disease.

Mayo Clinic Laboratories, Mayo Clinic
Classification: Benign. Last evaluated: 2016-02-19. Review status: no assertion criteria provided. Collection method: clinical testing. Allele origin: unknown. Not counted in ClinVar's aggregate classification.